The following is an entry in ClinVar:

ClinVar aggregate classification (germline): Uncertain significance. Review status: criteria provided, multiple submitters, no conflicts (2 of 4 stars). 6 submissions from 6 submitters: Uncertain significance (5). 1 of the submissions does not count toward it. Last evaluated 2025-09-02.

Conditions:
Kidney failure. Identifiers: MedGen C0035078, MONDO:0001106.
Autosomal dominant polycystic liver disease. Also called: Polycystic liver disease; Congenital cystic disease of liver. Identifiers: Orphanet 2924, MedGen C0158683, MONDO:0000447, HP:0006557.
Polycystic kidney disease 4 (PKD4). Also called: POLYCYSTIC KIDNEY DISEASE 4 WITH OR WITHOUT POLYCYSTIC LIVER DISEASE; PKD3; POLYCYSTIC KIDNEY AND HEPATIC DISEASE 1; POLYCYSTIC KIDNEY DISEASE, INFANTILE, TYPE I; Autosomal Recessive Polycystic Kidney Disease – PKHD1. Identifiers: MedGen C4540575, MONDO:0033004, OMIM 263200.

Allele frequency attached by ClinVar (database versions not stated): ExAC 0.00050; TOPMed 0.00015; gnomAD 0.00020 and 0.00022; ESP Exome Variant Server 0.00023; gnomAD exomes 0.00035 and 0.00036.
gnomAD v4.1: 542 of 1,614,028 alleles (0.034%); highest among the groups gnomAD compares: Non-Finnish European, 0.044%; no homozygotes.

Submissions (6):

Clinical Genetics Laboratory, Skane University Hospital Lund
Classification: Uncertain significance for Kidney failure. Last evaluated: 2025-09-02. Review status: criteria provided, single submitter. Criteria: ACMG Guidelines, 2015. Collection method: clinical testing. Allele origin: germline. Affected: yes.
Comment: ACMG criteria applied: PM2, PM4

Women's Health and Genetics/Laboratory Corporation of America, LabCorp
Classification: Uncertain significance. Last evaluated: 2024-07-31. Review status: criteria provided, single submitter. Criteria: LabCorp Variant Classification Summary - May 2015. Collection method: clinical testing. Allele origin: germline.
Comment: Variant summary: PKHD1 c.12142C>T (p.Gln4048X) results in a premature termination codon, predicted to cause a truncation of the encoded protein, and no pathogenic downtream variants have been reported. The variant allele was found at a frequency of 0.00035 in 250960 control chromosomes. This frequency is not significantly higher than estimated for a pathogenic variant in PKHD1 causing Polycystic Kidney And Hepatic Disease (0.00035 vs 0.0071), allowing no conclusion about variant significance. c.12142C>T has been reported in the literature in at-least one individual affected with Polycystic Kidney And Hepatic Disease (Besse_2017) and one unspecified individual undertaking a carrier testing (Zhao_2019). These data do not allow any conclusion about variant significance. To our knowledge, no experimental evidence demonstrating an impact on protein function has been reported. The following publications have been ascertained in the context of this evaluation (PMID: 28375157, 30275481). ClinVar contains an entry for this variant (Variation ID: 631985). Based on the evidence outlined above, the variant was classified as uncertain significance.

Fulgent Genetics
Classification: Uncertain significance for Polycystic kidney disease 4. Last evaluated: 2024-06-06. Review status: criteria provided, single submitter. Criteria: ACMG Guidelines, 2015. Collection method: clinical testing. Allele origin: germline.

GeneDx
Classification: Uncertain significance. Last evaluated: 2023-09-06. Review status: criteria provided, single submitter. Criteria: GeneDx Variant Classification Process June 2021. Collection method: clinical testing. Allele origin: germline. Affected: yes.
Comment: This variant is associated with the following publications: (PMID: 30275481, 34426522, 28375157)

Victorian Clinical Genetics Services, Murdoch Childrens Research Institute
Classification: Uncertain significance for Polycystic kidney disease 4. Last evaluated: 2022-02-02. Review status: criteria provided, single submitter. Criteria: ACMG Guidelines, 2015. Collection method: clinical testing. Allele origin: germline. Inheritance: Autosomal recessive inheritance.
Comment: Based on the classification scheme VCGS_Germline_v1.3.4, this variant is classified as VUS-3B. Following criteria are met: 0102 - Loss of function is a known mechanism of disease in this gene and is associated with polycystic kidney disease 4, with or without hepatic disease (MIM#263200). (I) 0106 - This gene is associated with autosomal recessive disease. (I) 0205 - Variant is predicted to result in a truncated protein (premature termination codon is NOT located at least 54 nucleotides upstream of the final exon-exon junction) with less than 1/3 of the protein sequence affected. (SP) 0251 - This variant is heterozygous. (I) 0304 - Variant is present in gnomAD <0.01 (v2) for a recessive condition (96 heterozygotes, 0 homozygotes). (SP) 0604 - Variant is not located in an established domain, motif, hotspot or informative constraint region. (I) 0710 - Other downstream truncating variants comparable to the one identified in this case have inconclusive previous evidence for pathogenicity. Variants p.(Cys4054*) and p.(Ala4056Profs*29) are both classified as uncertain significance (ClinVar). 0809 - Previous evidence of pathogenicity for this variant is inconclusive. In ClinVar this variant has been reported as uncertain significance. (I) 0905 - No published segregation evidence has been identified for this variant. (I) 1007 - No published functional evidence has been identified for this variant. (I) Legend: (SP) - Supporting pathogenic, (I) - Information, (SB) - Supporting benign

Yale Center for Mendelian Genomics, Yale University
Classification: Likely pathogenic for Autosomal dominant polycystic liver disease. Last evaluated: 2017-04-04. Review status: no assertion criteria provided. Collection method: literature only. Allele origin: germline. Affected: yes. Observed: 1 heterozygote. Not counted in ClinVar's aggregate classification.

Literature cited by the submitters: PubMed 28375157 (cited by 3 submitters); PubMed 30275481 (cited by Women's Health and Genetics/Laboratory Corporation of America, LabCorp).

NM_138694.4(PKHD1):c.12142C>T (p.Gln4048Ter)

Gene: PKHD1 (PKHD1 ciliary IPT domain containing fibrocystin/polyductin; minus strand). Cytogenetic location: 6p12.3.
Variant type: single nucleotide variant.
Coding change: c.12142C>T on transcript NM_138694.4 (MANE Select); coding-DNA position 12142, C replaced by T.
Protein change: p.Gln4048Ter; replaces glutamine 4048 with a stop codon.
Molecular consequence: nonsense.
Genome position (GRCh38, 1-based): chr6:51,619,164, G>A on the plus strand (C>T on the coding strand, the complement: PKHD1 is on the minus strand). VCF-style: chr6-51619164-G-A. GRCh37 (hg19) VCF-style: chr6-51483962-G-A.
Other names: short protein forms Q4048*.
Identifiers: ClinVar variation 631985 (VCV000631985.12), dbSNP rs201812542, ClinGen allele CA3850611.
Genomic context (GRCh38, chr6:51,619,164, plus strand): 5'-CCGGGTGTACTGAATGAAGGCAGAATGCCTCAGTGGCCCCGCAGGAGGCTTTCTTCTCTT[G>A]GGAAAGCCCCAAGCTGCCACTTTGCTTACTCAGCCGACTTTGCCCTGGCAACTGCTGCCT-3'